The following is an entry in ClinVar:

NM_015202.5(KATNIP):c.1879G>A (p.Glu627Lys)

Gene: KATNIP (katanin interacting protein; plus strand). Cytogenetic location: 16p12.1.
Variant type: single nucleotide variant.
Coding change: c.1879G>A on transcript NM_015202.5 (MANE Select); coding-DNA position 1879, G replaced by A.
Protein change: p.Glu627Lys; replaces glutamic acid 627 with lysine.
Molecular consequence: missense variant.
Genome position (GRCh38, 1-based): chr16:27,740,176, G>A. VCF-style: chr16-27740176-G-A. GRCh37 (hg19) VCF-style: chr16-27751497-G-A.
Other names: c.1879G>A (NM_015202.3, NM_015202.2); short protein forms E627K.
Identifiers: ClinVar variation 2197677 (VCV002197677.32), dbSNP rs186875199, ClinGen allele CA7977851.
Genomic context (GRCh38, chr16:27,740,176, plus strand): 5'-GGAGATAGGGAGGCCCCAGCTGACCACAGCATCCTGGTTGACCAGAAGAACGAGAAGAGC[G>A]AGCAACTAGAGGAGGCCATGAACGCTCACTCGGAAGAAAGCAAAGGCACCCATGAGATGG-3'
Protein context (NP_056017.4, residues 617-637): ILVDQKNEKS[Glu627Lys]QLEEAMNAHS

ClinVar aggregate classification (germline): Benign/Likely benign. Review status: criteria provided, multiple submitters, no conflicts (2 of 4 stars). 5 submissions from 5 submitters: Benign (1); Likely benign (3). 1 of the submissions does not count toward it. Last evaluated 2025-11-02.

Conditions:
KATNIP-related disorder. Also called: KATNIP-related condition.

Allele frequency attached by ClinVar (database versions not stated): gnomAD exomes 0.00057; TOPMed 0.00063; gnomAD 0.00105; ExAC 0.00145; 1000 Genomes Project 30x 0.00234; 1000 Genomes Project 0.00260.
gnomAD v4.1: 1,000 of 1,614,146 alleles (0.062%); highest among the groups gnomAD compares: East Asian, 0.57%; 3 homozygotes.

Submissions (5):

Labcorp Genetics (formerly Invitae), Labcorp
Classification: Benign. Last evaluated: 2025-11-02. Review status: criteria provided, single submitter. Criteria: Invitae Variant Classification Sherloc (09022015). Collection method: clinical testing. Allele origin: germline.

Blueprint Genetics
Classification: Likely benign. Last evaluated: 2024-07-04. Review status: criteria provided, single submitter. Criteria: ACMG Guidelines, 2015. Collection method: clinical testing. Allele origin: germline.

Ambry Genetics
Classification: Likely benign. Last evaluated: 2023-11-07. Review status: criteria provided, single submitter. Criteria: Ambry Variant Classification Scheme 2023. Collection method: clinical testing. Allele origin: germline.

CeGaT Center for Human Genetics Tuebingen
Classification: Likely benign. Last evaluated: 2023-07-01. Review status: criteria provided, single submitter. Criteria: CeGaT Center For Human Genetics Tuebingen Variant Classification Criteria Version 2. Collection method: clinical testing. Allele origin: germline. Affected: yes. Observed: 1 variant allele.
Comment: KATNIP: BP4, BS1

PreventionGenetics, part of Exact Sciences
Classification: Benign for KATNIP-related condition. Last evaluated: 2019-07-17. Review status: no assertion criteria provided. Collection method: clinical testing. Allele origin: germline. Not counted in ClinVar's aggregate classification.
Comment: This variant is classified as benign based on ACMG/AMP sequence variant interpretation guidelines (Richards et al. 2015 PMID: 25741868, with internal and published modifications).